The following is an entry in ClinVar:

ClinVar aggregate classification (germline): Likely benign (1 of 4 stars; one submission).

Allele frequency attached by ClinVar (database versions not stated): TOPMed 0.00010; 1000 Genomes Project 30x 0.00016; ESP Exome Variant Server 0.00017; gnomAD exomes 0.00017; 1000 Genomes Project 0.00020; ExAC 0.00029.
gnomAD v4.1: 286 of 1,613,878 alleles (0.018%); highest among the groups gnomAD compares: Non-Finnish European, 0.012%; 1 homozygote.

Submission:

CeGaT Center for Human Genetics Tuebingen
Classification: Likely benign. Last evaluated: 2022-07-01. Review status: criteria provided, single submitter. Criteria: CeGaT Center For Human Genetics Tuebingen Variant Classification Criteria Version 2. Collection method: clinical testing. Allele origin: germline. Affected: yes. Observed: 1 variant allele.
Comment: USP34: BP4, BP7

NM_014709.4(USP34):c.3906T>C (p.Phe1302=)

Gene: USP34 (ubiquitin specific peptidase 34; minus strand). Cytogenetic location: 2p15.
Variant type: single nucleotide variant.
Coding change: c.3906T>C on transcript NM_014709.4 (MANE Select); coding-DNA position 3906, T replaced by C.
Protein change: p.Phe1302=; no amino-acid change (phenylalanine 1302 retained).
Molecular consequence: synonymous variant.
Genome position (GRCh38, 1-based): chr2:61,301,366, A>G on the plus strand (T>C on the coding strand, the complement: USP34 is on the minus strand). VCF-style: chr2-61301366-A-G. GRCh37 (hg19) VCF-style: chr2-61528501-A-G.
Identifiers: ClinVar variation 2650979 (VCV002650979.24), dbSNP rs189034455, ClinGen allele CA1676700.